The following is an entry in ClinVar:

NM_194248.3(OTOF):c.129C>T (p.Asp43=)

Gene: OTOF (otoferlin; minus strand). Cytogenetic location: 2p23.3.
Variant type: single nucleotide variant.
Coding change: c.129C>T on transcript NM_194248.3 (MANE Select); coding-DNA position 129, C replaced by T.
Protein change: p.Asp43=; no amino-acid change (aspartic acid 43 retained).
Molecular consequence: synonymous variant.
Genome position (GRCh38, 1-based): chr2:26,537,725, G>A on the plus strand (C>T on the coding strand, the complement: OTOF is on the minus strand). VCF-style: chr2-26537725-G-A. GRCh37 (hg19) VCF-style: chr2-26760593-G-A.
Other names: c.129C>T, p.Asp43= (NM_001287489.2).
Identifiers: ClinVar variation 48167 (VCV000048167.18), dbSNP rs116525289, ClinGen allele CA142736.

ClinVar aggregate classification (germline): Benign. Review status: criteria provided, multiple submitters, no conflicts (2 of 4 stars). 6 submissions from 6 submitters: Benign (6). Last evaluated 2026-01-31.

Conditions:
Autosomal recessive nonsyndromic hearing loss 9. Also called: Deafness, autosomal recessive 9; AUDITORY NEUROPATHY, AUTOSOMAL RECESSIVE, 1, TEMPERATURE-SENSITIVE; NEUROSENSORY NONSYNDROMIC RECESSIVE DEAFNESS 9; OTOF-Related Hearing Loss. Identifiers: Orphanet 90636, MedGen C1832828, MONDO:0010986, OMIM 601071.

Allele frequency attached by ClinVar (database versions not stated): gnomAD exomes 0.00633 and 0.01370; ESP Exome Variant Server 0.01225; gnomAD 0.01663 and 0.01764; ExAC 0.01872; TOPMed 0.01926; 1000 Genomes Project 0.03934; 1000 Genomes Project 30x 0.04154.
gnomAD v4.1: 11,808 of 1,554,472 alleles (0.76%); highest among the groups gnomAD compares: East Asian, 14%; 524 homozygotes.

Submissions (6):

Labcorp Genetics (formerly Invitae), Labcorp
Classification: Benign. Last evaluated: 2026-01-31. Review status: criteria provided, single submitter. Criteria: Invitae Variant Classification Sherloc (09022015). Collection method: clinical testing. Allele origin: germline.

Athena Diagnostics
Classification: Benign. Last evaluated: 2019-10-25. Review status: criteria provided, single submitter. Criteria: Athena Diagnostics Criteria. Collection method: clinical testing. Allele origin: unknown.

Illumina Laboratory Services, Illumina
Classification: Benign for Autosomal recessive nonsyndromic hearing loss 9. Last evaluated: 2018-01-13. Review status: criteria provided, single submitter. Criteria: ICSL Variant Classification Criteria 13 December 2019. Collection method: clinical testing. Allele origin: germline.
Comment: This variant was observed in the ICSL laboratory as part of a predisposition screen in an ostensibly healthy population. It had not been previously curated by ICSL or reported in the Human Gene Mutation Database (HGMD: prior to June 1st, 2018), and was therefore a candidate for classification through an automated scoring system. Utilizing variant allele frequency, disease prevalence and penetrance estimates, and inheritance mode, an automated score was calculated to assess if this variant is too frequent to cause the disease. Based on the score and internal cut-off values, a variant classified as benign is not then subjected to further curation. The score for this variant resulted in a classification of benign for this disease.

GeneDx
Classification: Benign. Last evaluated: 2017-08-03. Review status: criteria provided, single submitter. Criteria: GeneDx Variant Classification (06012015). Collection method: clinical testing. Allele origin: germline. Affected: yes.
Comment: This variant is considered likely benign or benign based on one or more of the following criteria: it is a conservative change, it occurs at a poorly conserved position in the protein, it is predicted to be benign by multiple in silico algorithms, and/or has population frequency not consistent with disease.

Laboratory for Molecular Medicine, Mass General Brigham Personalized Medicine
Classification: Benign. Last evaluated: 2012-04-27. Review status: criteria provided, single submitter. Criteria: LMM Criteria. Collection method: clinical testing. Allele origin: germline. Observed: 44 variant alleles.
Comment: Asp43Asp in exon 2 of OTOF: This variant is not expected to have clinical signif icance because it does not alter an amino acid residue, is not located within th e splice consensus sequence, has been identified in 3.2% (118/3708) of African A merican chromosomes from a broad population by the NHLBI Exome sequencing projec t (dbSNP rs116525289).

Breakthrough Genomics
Classification: Benign. Review status: criteria provided, single submitter. Criteria: ACMG Guidelines, 2015. Collection method: not provided. Allele origin: germline. Inheritance: Autosomal recessive inheritance. Affected: yes.

Literature cited by the submitters: PubMed 21935370 (cited by Athena Diagnostics); PubMed 23562982 (cited by Athena Diagnostics); PubMed 27177047 (cited by Athena Diagnostics).